The following is an entry in ClinVar:

NM_001009944.3(PKD1):c.896_897del (p.Pro299fs)

Gene: PKD1 (polycystin 1, transient receptor potential channel interacting; minus strand). Cytogenetic location: 16p13.3.
Variant type: Deletion.
Coding change: c.896_897del on transcript NM_001009944.3 (MANE Select); coding-DNA positions 896 to 897, 2 bases deleted (CT; older notation c.896_897delCT).
Protein change: p.Pro299fs; shifts the reading frame from proline 299.
Molecular consequence: frameshift variant.
Genome position (GRCh38, 1-based): chr16:2,118,095-2,118,096, AG deleted on the plus strand (CT on the coding strand, the reverse complement: PKD1 is on the minus strand). VCF-style (leftmost placement, unchanged base first): chr16-2118094-CAG-C. GRCh37 (hg19) VCF-style: chr16-2168095-CAG-C.
Other names: c.896_897del, p.Pro299fs (NM_000296.4); c.896_897delCT (NM_001009944.3); c.896_897del (NM_001009944.2); short protein forms P299fs.
Identifiers: ClinVar variation 522395 (VCV000522395.9), dbSNP rs1555459084, ClinGen allele CA658798518.

ClinVar aggregate classification (germline): Pathogenic/Likely pathogenic. Review status: criteria provided, multiple submitters, no conflicts (2 of 4 stars). 7 submissions from 7 submitters: Pathogenic (4); Likely pathogenic (1). 2 of the submissions do not count toward it. Last evaluated 2025-07-01.

Conditions:
PKD1-related disorder. Also called: PKD1-related condition.
Polycystic kidney disease, adult type (PKD1). Also called: Polycystic Kidney, Autosomal Dominant; Polycystic Kidney Disease 1, Autosomal Dominant; Polycystic kidney disease 1; Polycystic kidney disease 1, severe; POLYCYSTIC KIDNEY DISEASE 1 WITH OR WITHOUT POLYCYSTIC LIVER DISEASE; POLYCYSTIC KIDNEY DISEASE, ADULT, TYPE I. Identifiers: MedGen C3149841, MONDO:0008263, OMIM 173900.
PKD1-Biallelic Autosomal Recessive Polycystic Kidney Disease.

Submissions (7):

Genetic Services Laboratory, University of Chicago
Classification: Likely pathogenic. Last evaluated: 2025-07-01. Review status: criteria provided, single submitter. Criteria: ACMG Guidelines, 2015. Collection method: clinical testing. Allele origin: germline.
Comment: The c.896_897del variant: Results in a frameshift and the creation of a premature stop codon 71 amino acids downstream from this variant, p.Pro299Argfs*71. Is predicted to result in an abnormal transcript, which may be degraded, or may lead to the production of a truncated PKD1 protein with potentially abnormal function. Has been previously described in individuals with PKD1-related disorders (PMID: 30816285, 33532864). Has not been described in population databases such as gnomAD v4. ClinVar contains an entry for this variant (Variation ID: 522395). Collectively this evidence indicates that this variant is likely pathogenic; however functional studies have not been performed to prove this conclusively.

Women's Health and Genetics/Laboratory Corporation of America, LabCorp
Classification: Pathogenic for PKD1-Biallelic Autosomal Recessive Polycystic Kidney Disease. Last evaluated: 2025-05-01. Review status: criteria provided, single submitter. Criteria: LabCorp Variant Classification Summary - May 2015. Collection method: clinical testing. Allele origin: germline.
Comment: Variant summary: PKD1 c.896_897delCT (p.Pro299ArgfsX71) results in a premature termination codon, predicted to cause a truncation of the encoded protein or absence of the protein due to nonsense mediated decay, which are commonly known mechanisms for disease. The variant was absent in 221472 control chromosomes (gnomAD). c.896_897delCT has been observed in individual(s) affected with PKD1-Biallelic Autosomal Recessive Polycystic Kidney Disease (e.g. Pandita_2019). To our knowledge, no experimental evidence demonstrating an impact on protein function has been reported. ClinVar contains an entry for this variant (Variation ID: 522395). Based on the evidence outlined above, the variant was classified as pathogenic.

GeneDx
Classification: Pathogenic. Last evaluated: 2024-07-10. Review status: criteria provided, single submitter. Criteria: GeneDx Variant Classification Process June 2021. Collection method: clinical testing. Allele origin: germline. Affected: yes.
Comment: Observed in patients with polycystic kidney disease in published literature and referred for testing at GeneDx (PMID: 33532864, 30816285); Frameshift variant predicted to result in protein truncation or nonsense mediated decay in a gene for which loss-of-function is a known mechanism of disease; Not observed in large population cohorts (gnomAD); This variant is associated with the following publications: (PMID: 30816285, 33532864)

Fulgent Genetics
Classification: Pathogenic for Polycystic kidney disease, adult type. Last evaluated: 2024-05-14. Review status: criteria provided, single submitter. Criteria: ACMG Guidelines, 2015. Collection method: clinical testing. Allele origin: germline.

Molecular Biology Laboratory, Fundació Puigvert
Classification: Pathogenic for Polycystic kidney disease, adult type. Last evaluated: 2020-02-01. Review status: criteria provided, single submitter. Criteria: ACMG Guidelines, 2015. Collection method: research. Allele origin: germline. Affected: yes. Study: KidneyPanel_2020.

PreventionGenetics, part of Exact Sciences
Classification: Pathogenic for PKD1-related condition. Last evaluated: 2024-08-31. Review status: no assertion criteria provided. Collection method: clinical testing. Allele origin: germline. Not counted in ClinVar's aggregate classification.
Comment: The PKD1 c.896_897delCT variant is predicted to result in a frameshift and premature protein termination (p.Pro299Argfs*71). This variant was reported in individuals with autosomal dominant polycystic kidney disease (ADPKD) (Supplementary Table 2 of Pandita et al. 2019. PubMed ID: 30816285; Supplementary Table 2 of Domingo-Gallego et al. 2022. PubMed ID: 33532864). This variant has not been reported in a large population database, indicating this variant is rare. Frameshift variants in PKD1 are expected to be pathogenic. This variant is interpreted as pathogenic.

Bioscientia Institut fuer Medizinische Diagnostik GmbH, Sonic Healthcare
Classification: Likely pathogenic for Polycystic kidney disease, adult type. Last evaluated: 2017-09-18. Review status: no assertion criteria provided. Collection method: clinical testing. Allele origin: germline. Affected: yes. Not counted in ClinVar's aggregate classification.

Literature cited by the submitters: PubMed 30816285 (cited by Women's Health and Genetics/Laboratory Corporation of America, LabCorp); PubMed 33532864 (cited by Molecular Biology Laboratory, Fundació Puigvert).